The following is an entry in ClinVar:

NM_004064.5(CDKN1B):c.581_590del (p.Arg194fs)

Gene: CDKN1B (cyclin dependent kinase inhibitor 1B; plus strand). Cytogenetic location: 12p13.1.
Variant type: Deletion.
Coding change: c.581_590del on transcript NM_004064.5 (MANE Select); coding-DNA positions 581 to 590, 10 bases deleted (GAAGACGTCA; older notation c.581_590delGAAGACGTCA).
Protein change: p.Arg194fs; shifts the reading frame from arginine 194.
Molecular consequence: frameshift variant.
Genome position (GRCh38, 1-based): chr12:12,718,930-12,718,939, GAAGACGTCA deleted; deleting any 10 consecutive bases within chr12:12,718,927-12,718,939 gives the same sequence; the c. name uses the placement nearest the transcript's 3' end. VCF-style (leftmost placement, unchanged base first): chr12-12718926-CTCAGAAGACG-C. GRCh37 (hg19) VCF-style: chr12-12871860-CTCAGAAGACG-C.
Other names: short protein forms R194fs.
Identifiers: ClinVar variation 485506 (VCV000485506.5), dbSNP rs1555085727, ClinGen allele CA658658119.

ClinVar aggregate classification (germline): Uncertain significance (1 of 4 stars; one submission).

Conditions:
Hereditary cancer-predisposing syndrome. Also called: Neoplastic Syndromes, Hereditary; Tumor predisposition; Hereditary Cancer Syndrome; Hereditary neoplastic syndrome. Identifiers: Orphanet 140162, MedGen C0027672, MeSH D009386, MONDO:0015356.

Submission:

Ambry Genetics
Classification: Uncertain significance for Hereditary cancer-predisposing syndrome. Last evaluated: 2017-04-21. Review status: criteria provided, single submitter. Criteria: Ambry Variant Classification Scheme 2023. Collection method: clinical testing. Allele origin: germline.
Comment: The c.581_590del10 variant, located in coding exon 2 of the CDKN1B gene, results from a deletion of 10 nucleotides at nucleotide positions 581 to 590, causing a translational frameshift with a predicted alternate stop codon (p.R194Kfs*28). Frameshifts are typically deleterious in nature, however, this frameshift occurs at the 3' terminus of CDKN1B, is not expected to trigger nonsense-mediated mRNA decay, and results in the elongation of the protein by 22 amino acids. The exact functional impact of these inserted amino acids is unknown at this time. Since supporting evidence is limited at this time, the clinical significance of this alteration remains unclear.